The following is an entry in ClinVar:

NM_000268.4(NF2):c.1052G>T (p.Arg351Leu)

Gene: NF2 (NF2, moesin-ezrin-radixin like (MERLIN) tumor suppressor; plus strand). Cytogenetic location: 22q12.2.
Variant type: single nucleotide variant.
Coding change: c.1052G>T on transcript NM_000268.4 (MANE Select); coding-DNA position 1052, G replaced by T.
Protein change: p.Arg351Leu; replaces arginine 351 with leucine.
Molecular consequence: missense variant. On other transcripts: intron variant (1).
Genome position (GRCh38, 1-based): chr22:29,671,878, G>T. VCF-style: chr22-29671878-G-T. GRCh37 (hg19) VCF-style: chr22-30067867-G-T.
Other names: c.938G>T, p.Arg313Leu (NM_001407053.1, NM_001407056.1); c.929G>T, p.Arg310Leu (NM_001407054.1, NM_001407058.1, NM_181829.3); c.926G>T, p.Arg309Leu (NM_001407055.1, NM_181828.3); c.917G>T, p.Arg306Leu (NM_001407057.1, NM_001407059.1); c.1052G>T, p.Arg351Leu (NM_001407060.1, NM_001407066.1, NM_016418.5 and 2 more transcripts); c.794G>T, p.Arg265Leu (NM_001407062.1); c.803G>T, p.Arg268Leu (NM_001407063.1, NM_001407064.1, NM_181830.3 and 1 more transcripts); c.518G>T, p.Arg173Leu (NM_001407065.1); and 2 more; short protein forms R173L, R265L, R268L, R274L, R306L, R309L, R310L, R313L.
Identifiers: ClinVar variation 4756872 (VCV004756872.2).

ClinVar aggregate classification (germline): Uncertain significance. Review status: criteria provided, multiple submitters, no conflicts (2 of 4 stars). 2 submissions from 2 submitters: Uncertain significance (2). Last evaluated 2025-06-29.

Conditions:
Neurofibromatosis, type 2 (SWNV). Also called: BILATERAL ACOUSTIC NEUROFIBROMATOSIS; NF2-Related Schwannomatosis; SCHWANNOMATOSIS, VESTIBULAR. Identifiers: Orphanet 637, MedGen C0027832, MONDO:0007039, OMIM 101000. Disease mechanism: loss of function.

Submissions (2):

Color Diagnostics, LLC DBA Color Health
Classification: Uncertain significance for Neurofibromatosis, type 2. Last evaluated: 2025-06-29. Review status: criteria provided, single submitter. Criteria: ACMG Guidelines, 2015. Collection method: clinical testing. Allele origin: germline.
Comment: This missense variant replaces arginine with leucine at codon 351 of the NF2 protein. Computational prediction is inconclusive regarding the impact of this variant on protein structure and function. To our knowledge, functional studies have not been reported for this variant. This variant has not been reported in individuals affected with NF2-related disorders in the literature. This variant has not been identified in the general population by the Genome Aggregation Database (gnomAD). The available evidence is insufficient to determine the role of this variant in disease conclusively. Therefore, this variant is classified as a Variant of Uncertain Significance.

Labcorp Genetics (formerly Invitae), Labcorp
Classification: Uncertain significance for Neurofibromatosis, type 2. Last evaluated: 2025-02-17. Review status: criteria provided, single submitter. Criteria: Invitae Variant Classification Sherloc (09022015). Collection method: clinical testing. Allele origin: germline.
Comment: This sequence change replaces arginine, which is basic and polar, with leucine, which is neutral and non-polar, at codon 351 of the NF2 protein (p.Arg351Leu). This variant is not present in population databases (gnomAD no frequency). This variant has not been reported in the literature in individuals affected with NF2-related conditions. Invitae Evidence Modeling of protein sequence and biophysical properties (such as structural, functional, and spatial information, amino acid conservation, physicochemical variation, residue mobility, and thermodynamic stability) indicates that this missense variant is expected to disrupt NF2 protein function with a positive predictive value of 80%. In summary, the available evidence is currently insufficient to determine the role of this variant in disease. Therefore, it has been classified as a Variant of Uncertain Significance.